The following is an entry in ClinVar:

NM_000222.3(KIT):c.887T>C (p.Phe296Ser)

Gene: KIT (KIT proto-oncogene, receptor tyrosine kinase; plus strand). Cytogenetic location: 4q12.
Variant type: single nucleotide variant.
Coding change: c.887T>C on transcript NM_000222.3 (MANE Select); coding-DNA position 887, T replaced by C.
Protein change: p.Phe296Ser; replaces phenylalanine 296 with serine.
Molecular consequence: missense variant.
Genome position (GRCh38, 1-based): chr4:54,703,854, T>C. VCF-style: chr4-54703854-T-C. GRCh37 (hg19) VCF-style: chr4-55570020-T-C.
Other names: c.887T>C, p.Phe296Ser (NM_001093772.2, NM_001385285.1, NM_001385286.1); c.890T>C, p.Phe297Ser (NM_001385284.1, NM_001385288.1, NM_001385290.1 and 1 more transcripts); short protein forms F296S, F297S.
Identifiers: ClinVar variation 5023311 (VCV005023311.1).

ClinVar aggregate classification (germline): Uncertain significance (1 of 4 stars; one submission).

Conditions:
Hereditary cancer-predisposing syndrome. Also called: Neoplastic Syndromes, Hereditary; Tumor predisposition; Hereditary neoplastic syndrome; Hereditary Cancer Syndrome. Identifiers: Orphanet 140162, MedGen C0027672, MeSH D009386, MONDO:0015356.

Submission:

Ambry Genetics
Classification: Uncertain significance for Hereditary cancer-predisposing syndrome. Last evaluated: 2026-07-06. Review status: criteria provided, single submitter. Criteria: Ambry Variant Classification Scheme 2023. Collection method: clinical testing. Allele origin: germline.
Comment: The p.F296S variant (also known as c.887T>C), located in coding exon 5 of the KIT gene, results from a T to C substitution at nucleotide position 887. The phenylalanine at codon 296 is replaced by serine, an amino acid with highly dissimilar properties. This amino acid position is conserved. In addition, this alteration is predicted to be deleterious by in silico analysis. Based on the available evidence, the clinical significance of this variant remains unclear.